The following is an entry in ClinVar:

ClinVar aggregate classification (germline): Uncertain significance (1 of 4 stars; one submission).

Conditions:
Inborn genetic diseases. Identifiers: MedGen C0950123, MeSH D030342.

Allele frequency attached by ClinVar (database versions not stated): TOPMed below 0.00001; ExAC 0.00001; gnomAD exomes below 0.00001; gnomAD 0.00001.
gnomAD v4.1: 3 of 1,584,828 alleles (0.00019%); highest among the groups gnomAD compares: Admixed American, 0.0056%; no homozygotes.

Submission:

Ambry Genetics
Classification: Uncertain significance for Inborn genetic diseases. Last evaluated: 2025-11-23. Review status: criteria provided, single submitter. Criteria: Ambry Variant Classification Scheme 2023. Collection method: clinical testing. Allele origin: germline.
Comment: The c.7G>A (p.E3K) alteration is located in exon 2 (coding exon 1) of the PIGW gene. This alteration results from a G to A substitution at nucleotide position 7, causing the glutamic acid (E) at amino acid position 3 to be replaced by a lysine (K). Based on data from gnomAD, the A allele has an overall frequency of <0.001% (1/228732) total alleles studied. The highest observed frequency was 0.004% (1/28322) of Latino alleles. Based on insufficient or conflicting evidence, the clinical significance of this alteration remains unclear.

NM_001346754.2(PIGW):c.7G>A (p.Glu3Lys)

Genes: MYO19 (myosin XIX; minus strand), PIGW (phosphatidylinositol glycan anchor biosynthesis class W; plus strand). Cytogenetic location: 17q12.
Variant type: single nucleotide variant.
Coding change: c.7G>A on transcript NM_001346754.2 (MANE Select); coding-DNA position 7, G replaced by A.
Protein change: p.Glu3Lys; replaces glutamic acid 3 with lysine.
Molecular consequence: missense variant.
Genome position (GRCh38, 1-based): chr17:36,537,108, G>A. VCF-style: chr17-36537108-G-A. GRCh37 (hg19) VCF-style: chr17-34892957-G-A.
Other names: c.7G>A, p.Glu3Lys (NM_001346755.2, NM_178517.5); short protein forms E3K.
Identifiers: ClinVar variation 2509915 (VCV002509915.3), dbSNP rs778073829, ClinGen allele CA290115638.